The following is an entry in ClinVar:

ClinVar aggregate classification (germline): Uncertain significance (1 of 4 stars; one submission).

Conditions:
Short stature-onychodysplasia-facial dysmorphism-hypotrichosis syndrome. Also called: SOFT SYNDROME; Short stature, onychodysplasia, facial dysmorphism, and hypotrichosis. Identifiers: Orphanet 314394, MedGen C3542022, MONDO:0013894, OMIM 614813.

Allele frequency attached by ClinVar (database versions not stated): gnomAD 0.00001; gnomAD exomes 0.00001; TOPMed 0.00002.
gnomAD v4.1: 12 of 1,613,758 alleles (0.00074%); highest among the groups gnomAD compares: Admixed American, 0.0017%; no homozygotes.

Submission:

Baylor Genetics
Classification: Uncertain significance for Short stature-onychodysplasia-facial dysmorphism-hypotrichosis syndrome. Last evaluated: 2018-01-01. Review status: criteria provided, single submitter. Criteria: ACMG Guidelines, 2015. Collection method: clinical testing. Allele origin: maternal. Affected: yes.
Comment: This variant was determined to be of uncertain significance according to ACMG Guidelines, 2015 [PMID:25741868].

NM_015426.5(POC1A):c.545C>T (p.Ser182Leu)

Gene: POC1A (POC1 centriolar protein A; minus strand). Cytogenetic location: 3p21.2.
Variant type: single nucleotide variant.
Coding change: c.545C>T on transcript NM_015426.5 (MANE Select); coding-DNA position 545, C replaced by T.
Protein change: p.Ser182Leu; replaces serine 182 with leucine.
Molecular consequence: missense variant.
Genome position (GRCh38, 1-based): chr3:52,147,006, G>A on the plus strand (C>T on the coding strand, the complement: POC1A is on the minus strand). VCF-style: chr3-52147006-G-A. GRCh37 (hg19) VCF-style: chr3-52181022-G-A.
Other names: c.545C>T, p.Ser182Leu (NM_001161580.2); c.431C>T, p.Ser144Leu (NM_001161581.2); short protein forms S182L, S144L.
Identifiers: ClinVar variation 1032691 (VCV001032691.1), dbSNP rs1698387096, ClinGen allele CA353046615.